The following is an entry in ClinVar:

ClinVar aggregate classification (germline): Uncertain significance. Review status: criteria provided, multiple submitters, no conflicts (2 of 4 stars). 2 submissions from 2 submitters: Uncertain significance (2). Last evaluated 2022-04-09.

Allele frequency attached by ClinVar (database versions not stated): TOPMed 0.00001; ExAC 0.00003; gnomAD 0.00005; gnomAD exomes 0.00005.

Submissions (2):

Labcorp Genetics (formerly Invitae), Labcorp
Classification: Uncertain significance. Last evaluated: 2022-04-09. Review status: criteria provided, single submitter. Criteria: Invitae Variant Classification Sherloc (09022015). Collection method: clinical testing. Allele origin: germline.
Comment: This sequence change replaces alanine, which is neutral and non-polar, with valine, which is neutral and non-polar, at codon 143 of the CFAP410 protein (p.Ala143Val). This variant is present in population databases (rs758738754, gnomAD 0.008%). This variant has not been reported in the literature in individuals affected with CFAP410-related conditions. Algorithms developed to predict the effect of missense changes on protein structure and function (SIFT, PolyPhen-2, Align-GVGD) all suggest that this variant is likely to be tolerated. In summary, the available evidence is currently insufficient to determine the role of this variant in disease. Therefore, it has been classified as a Variant of Uncertain Significance.

Blueprint Genetics
Classification: Uncertain significance. Last evaluated: 2022-02-08. Review status: criteria provided, single submitter. Criteria: ACMG Guidelines, 2015. Collection method: clinical testing. Allele origin: germline.

NM_004928.3(CFAP410):c.428C>T (p.Ala143Val)

Gene: CFAP410 (cilia and flagella associated protein 410; minus strand). Cytogenetic location: 21q22.3.
Variant type: single nucleotide variant.
Coding change: c.428C>T on transcript NM_004928.3 (MANE Select); coding-DNA position 428, C replaced by T.
Protein change: p.Ala143Val; replaces alanine 143 with valine.
Molecular consequence: missense variant.
Genome position (GRCh38, 1-based): chr21:44,331,960, G>A on the plus strand (C>T on the coding strand, the complement: CFAP410 is on the minus strand). VCF-style: chr21-44331960-G-A. GRCh37 (hg19) VCF-style: chr21-45751843-G-A.
Other names: c.428C>T, p.Ala143Val (NM_001271440.2, NM_001271441.2); c.305C>T, p.Ala102Val (NM_001271442.1); short protein forms A102V, A143V.
Identifiers: ClinVar variation 2067154 (VCV002067154.2), dbSNP rs758738754, ClinGen allele CA10053677.